The following is an entry in ClinVar:

NM_005502.4(ABCA1):c.*1653T>A

Genes: ABCA1 (ATP binding cassette subfamily A member 1; minus strand), NIPSNAP3B (nipsnap homolog 3B; plus strand). Cytogenetic location: 9q31.1.
Variant type: single nucleotide variant.
Coding change: c.*1653T>A on transcript NM_005502.4 (MANE Select); 1653 bases downstream of the stop codon, T replaced by A.
Molecular consequence: 3 prime UTR variant.
Genome position (GRCh38, 1-based): chr9:104,782,662, A>T on the plus strand (T>A on the coding strand, the complement: ABCA1 is on the minus strand). VCF-style: chr9-104782662-A-T. GRCh37 (hg19) VCF-style: chr9-107544943-A-T.
Identifiers: ClinVar variation 364345 (VCV000364345.6), dbSNP rs41432545, ClinGen allele CA10628648.

ClinVar aggregate classification (germline): Benign. Review status: criteria provided, multiple submitters, no conflicts (2 of 4 stars). 3 submissions from 2 submitters: Benign (3). Last evaluated 2021-05-10.

Conditions:
Hypoalphalipoproteinemia, primary, 1. Identifiers: Orphanet 425, MedGen C5231558, MONDO:0011393, OMIM 604091.
Tangier disease (TGD). Also called: HIGH DENSITY LIPOPROTEIN DEFICIENCY, TANGIER TYPE; HIGH DENSITY LIPOPROTEIN DEFICIENCY, TYPE 1; Cholesterol thesaurismosis. Identifiers: Orphanet 31150, MedGen C0039292, MONDO:0008783, OMIM 205400.

Allele frequency attached by ClinVar (database versions not stated): gnomAD 0.05630 and 0.05774; TOPMed 0.06339; 1000 Genomes Project 0.08207; 1000 Genomes Project 30x 0.08260.

Submissions (3):

GeneDx
Classification: Benign. Last evaluated: 2021-05-10. Review status: criteria provided, single submitter. Criteria: GeneDx Variant Classification Process June 2021. Collection method: clinical testing. Allele origin: germline. Affected: yes.

Illumina Laboratory Services, Illumina
Classification: Benign for Tangier disease. Last evaluated: 2018-01-13. Review status: criteria provided, single submitter. Criteria: ICSL Variant Classification Criteria 13 December 2019. Collection method: clinical testing. Allele origin: germline.
Comment: This variant was observed in the ICSL laboratory as part of a predisposition screen in an ostensibly healthy population. It had not been previously curated by ICSL or reported in the Human Gene Mutation Database (HGMD: prior to June 1st, 2018), and was therefore a candidate for classification through an automated scoring system. Utilizing variant allele frequency, disease prevalence and penetrance estimates, and inheritance mode, an automated score was calculated to assess if this variant is too frequent to cause the disease. Based on the score and internal cut-off values, a variant classified as benign is not then subjected to further curation. The score for this variant resulted in a classification of benign for this disease.

Illumina Laboratory Services, Illumina
Classification: Benign for Hypoalphalipoproteinemia, primary, 1. Last evaluated: 2018-01-13. Review status: criteria provided, single submitter. Criteria: ICSL Variant Classification Criteria 13 December 2019. Collection method: clinical testing. Allele origin: germline.
Comment: the same text as in the submission from Illumina Laboratory Services, Illumina above.